The following is an entry in ClinVar:

NM_000512.5(GALNS):c.1364+6T>A

Gene: GALNS (galactosamine (N-acetyl)-6-sulfatase; minus strand). Cytogenetic location: 16q24.3.
Variant type: single nucleotide variant.
Coding change: c.1364+6T>A on transcript NM_000512.5 (MANE Select); 6 bases into the intron after coding-DNA position 1364, T replaced by A.
Molecular consequence: intron variant.
Genome position (GRCh38, 1-based): chr16:88,822,583, A>T on the plus strand (T>A on the coding strand, the complement: GALNS is on the minus strand). VCF-style: chr16-88822583-A-T. GRCh37 (hg19) VCF-style: chr16-88888991-A-T.
Other names: c.809+6T>A (NM_001323543.2); c.1382+6T>A (NM_001323544.2).
Identifiers: ClinVar variation 1388248 (VCV001388248.5), dbSNP rs377120480, ClinGen allele CA8234714.

ClinVar aggregate classification (germline): Uncertain significance. Review status: criteria provided, multiple submitters, no conflicts (2 of 4 stars). 2 submissions from 2 submitters: Uncertain significance (2). Last evaluated 2024-09-15.

Conditions:
Mucopolysaccharidosis, MPS-IV-A (MPS4A). Also called: Morquio syndrome A, mild; MORQUIO SYNDROME A; GALACTOSAMINE-6-SULFATASE DEFICIENCY; GALNS DEFICIENCY; MORQUIO A DISEASE; Mucopolysaccharidosis type IV A. Identifiers: Orphanet 309297, Orphanet 582, MedGen C0086651, MONDO:0009659, OMIM 253000.

Allele frequency attached by ClinVar (database versions not stated): TOPMed 0.00003; gnomAD 0.00005 and 0.00006; ESP Exome Variant Server 0.00008; gnomAD exomes below 0.00001 and 0.00001; ExAC 0.00001.
gnomAD v4.1: 9 of 1,611,924 alleles (0.00056%); highest among the groups gnomAD compares: African/African-American, 0.008%; no homozygotes.

Submissions (2):

Women's Health and Genetics/Laboratory Corporation of America, LabCorp
Classification: Uncertain significance. Last evaluated: 2024-09-15. Review status: criteria provided, single submitter. Criteria: LabCorp Variant Classification Summary - May 2015. Collection method: clinical testing. Allele origin: germline.

Labcorp Genetics (formerly Invitae), Labcorp
Classification: Uncertain significance for Mucopolysaccharidosis, MPS-IV-A. Last evaluated: 2023-04-24. Review status: criteria provided, single submitter. Criteria: Invitae Variant Classification Sherloc (09022015). Collection method: clinical testing. Allele origin: germline.
Comment: In summary, the available evidence is currently insufficient to determine the role of this variant in disease. Therefore, it has been classified as a Variant of Uncertain Significance. Variants that disrupt the consensus splice site are a relatively common cause of aberrant splicing (PMID: 17576681, 9536098). Algorithms developed to predict the effect of sequence changes on RNA splicing suggest that this variant is not likely to affect RNA splicing. ClinVar contains an entry for this variant (Variation ID: 1388248). This variant has not been reported in the literature in individuals affected with GALNS-related conditions. This variant is present in population databases (rs377120480, gnomAD 0.02%). This sequence change falls in intron 12 of the GALNS gene. It does not directly change the encoded amino acid sequence of the GALNS protein. It affects a nucleotide within the consensus splice site.

Literature cited by the submitters: PubMed 17576681 (cited by Labcorp Genetics (formerly Invitae), Labcorp); PubMed 9536098 (cited by Labcorp Genetics (formerly Invitae), Labcorp).